The following is an entry in ClinVar:

NM_018129.4(PNPO):c.399G>A (p.Trp133Ter)

Gene: PNPO (pyridoxamine 5'-phosphate oxidase; plus strand). Cytogenetic location: 17q21.32.
Variant type: single nucleotide variant.
Coding change: c.399G>A on transcript NM_018129.4 (MANE Select); coding-DNA position 399, G replaced by A.
Protein change: p.Trp133Ter; replaces tryptophan 133 with a stop codon.
Molecular consequence: nonsense.
Genome position (GRCh38, 1-based): chr17:47,945,594, G>A. VCF-style: chr17-47945594-G-A. GRCh37 (hg19) VCF-style: chr17-46022960-G-A.
Other names: short protein forms W133*.
Identifiers: ClinVar variation 391570 (VCV000391570.9), dbSNP rs766311956, ClinGen allele CA8629173.

ClinVar aggregate classification (germline): Pathogenic/Likely pathogenic. Review status: criteria provided, multiple submitters, no conflicts (2 of 4 stars). 4 submissions from 4 submitters: Pathogenic (3); Likely pathogenic (1). Last evaluated 2025-09-26.

Conditions:
Pyridoxal phosphate-responsive seizures (PNPOD). Also called: EPILEPTIC ENCEPHALOPATHY, NEONATAL, PNPO-RELATED; Pyridoxal 5'-Phosphate (PLP)-Dependent Epilepsy; SEIZURES, PYRIDOXINE-RESISTANT, PLP-SENSITIVE; Pyridoxamine 5-Prime-Phosphate Oxidase Deficiency; Pyridoxine-5'-phosphate oxidase deficiency. Identifiers: Orphanet 79096, MedGen C1864723, MONDO:0012407, OMIM 610090. Disease mechanism: loss of function.
Inborn genetic diseases. Identifiers: MedGen C0950123, MeSH D030342.

Allele frequency attached by ClinVar (database versions not stated): gnomAD exomes below 0.00001 and 0.00002; ExAC 0.00001; TOPMed 0.00001.
gnomAD v4.1: 27 of 1,613,458 alleles (0.0017%); highest among the groups gnomAD compares: Non-Finnish European, 0.0023%; no homozygotes.

Submissions (4):

Women's Health and Genetics/Laboratory Corporation of America, LabCorp
Classification: Pathogenic for Pyridoxal phosphate-responsive seizures. Last evaluated: 2025-09-26. Review status: criteria provided, single submitter. Criteria: LabCorp Variant Classification Summary - May 2015. Collection method: clinical testing. Allele origin: germline.
Comment: Variant summary: PNPO c.399G>A (p.Trp133X) results in a premature termination codon, predicted to cause a truncation of the encoded protein or absence of the protein due to nonsense mediated decay, which are commonly known mechanisms for disease. The variant allele was found at a frequency of 4e-06 in 251480 control chromosomes. To our knowledge, no occurrence of c.399G>A in individuals affected with PNPO-related conditions and no experimental evidence demonstrating its impact on protein function have been reported. ClinVar contains an entry for this variant (Variation ID: 391570). Based on the evidence outlined above, the variant was classified as pathogenic.

Labcorp Genetics (formerly Invitae), Labcorp
Classification: Pathogenic for Pyridoxal phosphate-responsive seizures. Last evaluated: 2024-05-31. Review status: criteria provided, single submitter. Criteria: Invitae Variant Classification Sherloc (09022015). Collection method: clinical testing. Allele origin: germline.
Comment: This sequence change creates a premature translational stop signal (p.Trp133*) in the PNPO gene. It is expected to result in an absent or disrupted protein product. Loss-of-function variants in PNPO are known to be pathogenic (PMID: 15772097, 24645144). This variant is present in population databases (rs766311956, gnomAD 0.0009%). This variant has not been reported in the literature in individuals affected with PNPO-related conditions. ClinVar contains an entry for this variant (Variation ID: 391570). For these reasons, this variant has been classified as Pathogenic.

GeneDx
Classification: Likely pathogenic. Last evaluated: 2020-05-04. Review status: criteria provided, single submitter. Criteria: GeneDx Variant Classification Process June 2021. Collection method: clinical testing. Allele origin: germline. Affected: yes.
Comment: Nonsense variant predicted to result in protein truncation or nonsense mediated decay in a gene for which loss-of-function is a known mechanism of disease; Not observed at a significant frequency in large population cohorts (Lek et al., 2016); Has not been previously published as pathogenic or benign to our knowledge

Ambry Genetics
Classification: Pathogenic for Inborn genetic diseases. Last evaluated: 2017-09-29. Review status: criteria provided, single submitter. Criteria: Ambry Variant Classification Scheme 2023. Collection method: clinical testing. Allele origin: germline.
Comment: The p.W133* pathogenic mutation (also known as c.399G>A), located in coding exon 4 of the PNPO gene, results from a G to A substitution at nucleotide position 399. This changes the amino acid from a tryptophan to a stop codon within coding exon 4. This alteration is expected to result in loss of function by premature protein truncation or nonsense-mediated mRNA decay. As such, this alteration is interpreted as a disease-causing mutation.

Literature cited by the submitters: PubMed 15772097 (cited by Labcorp Genetics (formerly Invitae), Labcorp); PubMed 24645144 (cited by Labcorp Genetics (formerly Invitae), Labcorp).